The following is an entry in ClinVar:

ClinVar aggregate classification (germline): Pathogenic. Review status: criteria provided, multiple submitters, no conflicts (2 of 4 stars). 4 submissions from 4 submitters: Pathogenic (2). 2 of the submissions do not count toward it. Last evaluated 2024-02-27.

Conditions:
Pyruvate carboxylase deficiency. Also called: ATAXIA WITH LACTIC ACIDOSIS II; LEIGH NECROTIZING ENCEPHALOPATHY DUE TO PYRUVATE CARBOXYLASE DEFICIENCY; LEIGH SYNDROME DUE TO PYRUVATE CARBOXYLASE DEFICIENCY; PC DEFICIENCY; Pyruvate Carboxylase Deficiency Disease. Identifiers: Orphanet 3008, MedGen C0034341, MONDO:0009949, OMIM 266150.

Submissions (4):

Labcorp Genetics (formerly Invitae), Labcorp
Classification: Pathogenic for Pyruvate carboxylase deficiency. Last evaluated: 2024-02-27. Review status: criteria provided, single submitter. Criteria: Invitae Variant Classification Sherloc (09022015). Collection method: clinical testing. Allele origin: germline.
Comment: This sequence change creates a premature translational stop signal (p.Phe832*) in the PC gene. It is expected to result in an absent or disrupted protein product. Loss-of-function variants in PC are known to be pathogenic (PMID: 12112657, 19306334). This variant is present in population databases (rs756355930, gnomAD 0.004%). This premature translational stop signal has been observed in individuals with pyruvate carboxylase deficiency (PMID: 12112657, 18676167). This variant is also known as 2491-2492delGT. ClinVar contains an entry for this variant (Variation ID: 556347). For these reasons, this variant has been classified as Pathogenic.

Baylor Genetics
Classification: Pathogenic for Pyruvate carboxylase deficiency. Last evaluated: 2023-01-05. Review status: criteria provided, single submitter. Criteria: ACMG Guidelines, 2015. Collection method: clinical testing. Allele origin: unknown.

Counsyl
Classification: Pathogenic for Pyruvate carboxylase deficiency. Last evaluated: 2018-01-25. Review status: no assertion criteria provided. Collection method: clinical testing. Allele origin: unknown. Not counted in ClinVar's aggregate classification.

OMIM
Classification: Pathogenic for PYRUVATE CARBOXYLASE DEFICIENCY. Last evaluated: 2002-07-01. Review status: no assertion criteria provided. Collection method: literature only. Allele origin: germline. Not counted in ClinVar's aggregate classification.

Literature cited by the submitters: PubMed 12112657 (cited by 3 submitters); PubMed 19306334 (cited by Labcorp Genetics (formerly Invitae), Labcorp); PubMed 18676167 (cited by Labcorp Genetics (formerly Invitae), Labcorp and Counsyl).

NM_001040716.2(PC):c.2493_2494del (p.Val831_Phe832insTer)

Gene: PC (pyruvate carboxylase; minus strand). Cytogenetic location: 11q13.2.
Variant type: Microsatellite.
Coding change: c.2493_2494del on transcript NM_001040716.2 (MANE Select); coding-DNA positions 2493 to 2494, 2 bases deleted (GT; older notation c.2493_2494delGT).
Protein change: p.Val831_Phe832insTer.
Molecular consequence: frameshift variant.
Genome position (GRCh38, 1-based): chr11:66,850,444-66,850,445, AC deleted on the plus strand (GT on the coding strand, the reverse complement: PC is on the minus strand); deleting any 2 consecutive bases within chr11:66,850,444-66,850,447 gives the same sequence; the c. name uses the placement nearest the transcript's 3' end. VCF-style (leftmost placement, unchanged base first): chr11-66850443-AAC-A. GRCh37 (hg19) VCF-style: chr11-66617914-AAC-A.
Other names: c.2493_2494del, p.Val831_Phe832insTer (NM_000920.4, NM_022172.3).
Identifiers: ClinVar variation 556347 (VCV000556347.12), dbSNP rs756355930, ClinGen allele CA6131043.